The following is an entry in ClinVar:

ClinVar aggregate classification (germline): Conflicting classifications of pathogenicity. Review status: criteria provided, conflicting classifications (1 of 4 stars). 2 submissions from 2 submitters: Uncertain significance (1); Likely benign (1). Last evaluated 2025-06-10.

Allele frequency attached by ClinVar (database versions not stated): TOPMed 0.00038; gnomAD 0.00039; gnomAD exomes 0.00049; ExAC 0.00083.

Submissions (2):

Labcorp Genetics (formerly Invitae), Labcorp
Classification: Uncertain significance. Last evaluated: 2025-06-10. Review status: criteria provided, single submitter. Criteria: Invitae Variant Classification Sherloc (09022015). Collection method: clinical testing. Allele origin: germline.
Comment: This sequence change replaces leucine, which is neutral and non-polar, with proline, which is neutral and non-polar, at codon 194 of the SOX17 protein (p.Leu194Pro). This variant is present in population databases (rs762690331, gnomAD 0.06%), and has an allele count higher than expected for a pathogenic variant. This variant has not been reported in the literature in individuals affected with SOX17-related conditions. ClinVar contains an entry for this variant (Variation ID: 2051220). Invitae Evidence Modeling of protein sequence and biophysical properties (such as structural, functional, and spatial information, amino acid conservation, physicochemical variation, residue mobility, and thermodynamic stability) indicates that this missense variant is not expected to disrupt SOX17 protein function with a negative predictive value of 80%. In summary, the available evidence is currently insufficient to determine the role of this variant in disease. Therefore, it has been classified as a Variant of Uncertain Significance.

Blueprint Genetics
Classification: Likely benign. Last evaluated: 2024-10-24. Review status: criteria provided, single submitter. Criteria: ACMG Guidelines, 2015. Collection method: clinical testing. Allele origin: germline.

NM_022454.4(SOX17):c.581T>C (p.Leu194Pro)

Gene: SOX17 (SRY-box transcription factor 17; plus strand). Cytogenetic location: 8q11.23.
Variant type: single nucleotide variant.
Coding change: c.581T>C on transcript NM_022454.4 (MANE Select); coding-DNA position 581, T replaced by C.
Protein change: p.Leu194Pro; replaces leucine 194 with proline.
Molecular consequence: missense variant.
Genome position (GRCh38, 1-based): chr8:54,459,331, T>C. VCF-style: chr8-54459331-T-C. GRCh37 (hg19) VCF-style: chr8-55371891-T-C.
Other names: short protein forms L194P.
Identifiers: ClinVar variation 2051220 (VCV002051220.5), dbSNP rs762690331, ClinGen allele CA4750935.